The following is an entry in ClinVar:

ClinVar aggregate classification (germline): Uncertain significance (1 of 4 stars; one submission).

Conditions:
Catecholaminergic polymorphic ventricular tachycardia (CVPT). Also called: Catecholamine-induced polymorphic ventricular tachycardia. Identifiers: Orphanet 3286, MedGen C5574922, MONDO:0017990.

gnomAD v4.1: 1 of 1,563,376 alleles (0.000064%); no homozygotes.

Submission:

All of Us Research Program, National Institutes of Health
Classification: Uncertain significance for Catecholaminergic polymorphic ventricular tachycardia. Last evaluated: 2024-07-29. Review status: criteria provided, single submitter. Criteria: ACMG Guidelines, 2015. Collection method: clinical testing. Allele origin: germline. Inheritance: Autosomal dominant inheritance. Observed: 1 variant allele, 1 heterozygote.
Comment: This missense variant replaces glutamic acid with alanine at codon 4882 of the RYR2 protein. Computational prediction suggests that this variant may have deleterious impact on protein structure and function (internally defined REVEL score threshold >= 0.7, PMID: 27666373). To our knowledge, functional studies have not been reported for this variant. This variant has not been reported in individuals affected with RYR2-related disorders in the literature. This variant has not been identified in the general population by the Genome Aggregation Database (gnomAD). The available evidence is insufficient to determine the role of this variant in disease conclusively. Therefore, this variant is classified as a Variant of Uncertain Significance.

This study involves interpretation of variants in research participants for the purpose of population health screening. Participant phenotype was not available at the time of variant classification. Additional details can be found in publication PMID: 35346344, PMCID: PMC8962531

NM_001035.3(RYR2):c.14645A>C (p.Glu4882Ala)

Gene: RYR2 (ryanodine receptor 2; plus strand). Cytogenetic location: 1q43.
Variant type: single nucleotide variant.
Coding change: c.14645A>C on transcript NM_001035.3 (MANE Select); coding-DNA position 14645, A replaced by C.
Protein change: p.Glu4882Ala; replaces glutamic acid 4882 with alanine.
Molecular consequence: missense variant.
Genome position (GRCh38, 1-based): chr1:237,828,435, A>C. VCF-style: chr1-237828435-A-C. GRCh37 (hg19) VCF-style: chr1-237991735-A-C.
Other names: short protein forms E4882A.
Identifiers: ClinVar variation 3385884 (VCV003385884.1).
Genomic context (GRCh38, chr1:237,828,435, plus strand): 5'-CACCAGGTCTAATTATTGATGCTTTTGGAGAACTAAGAGACCAACAGGAACAAGTCAAAG[A>C]AGACATGGAGGTAAGCTTCTCCATTCATGACTCAGCTTCTTTGTTGTCCTGGGCCCTCGT-3'
Protein context (NP_001026.2, residues 4872-4892): ELRDQQEQVK[Glu4882Ala]DMETKCFICG